The following is an entry in ClinVar:

ClinVar aggregate classification (germline): Benign (1 of 4 stars; one submission).

Conditions:
Holoprosencephaly sequence (HPE). Also called: Holoprosencephaly. Identifiers: Orphanet 2162, MedGen C0079541, MONDO:0016296, HP:0001360.

Allele frequency attached by ClinVar (database versions not stated): gnomAD 0.00298 and 0.00303; TOPMed 0.00308; 1000 Genomes Project 0.00120; gnomAD exomes 0.00341; 1000 Genomes Project 30x 0.00125.

Submission:

Illumina Laboratory Services, Illumina
Classification: Benign for Holoprosencephaly sequence. Last evaluated: 2018-01-12. Review status: criteria provided, single submitter. Criteria: ICSL Variant Classification Criteria 13 December 2019. Collection method: clinical testing. Allele origin: germline.
Comment: This variant was observed in the ICSL laboratory as part of a predisposition screen in an ostensibly healthy population. It had not been previously curated by ICSL or reported in the Human Gene Mutation Database (HGMD: prior to June 1st, 2018), and was therefore a candidate for classification through an automated scoring system. Utilizing variant allele frequency, disease prevalence and penetrance estimates, and inheritance mode, an automated score was calculated to assess if this variant is too frequent to cause the disease. Based on the score and internal cut-off values, a variant classified as benign is not then subjected to further curation. The score for this variant resulted in a classification of benign for this disease.

NM_003923.2(FOXH1):c.-333T>C

Gene: FOXH1 (forkhead box H1; minus strand). Cytogenetic location: 8q24.3.
Variant type: single nucleotide variant.
Coding change: c.-333T>C on transcript NM_003923.2; 333 bases upstream of the start codon, T replaced by C.
Genome position (GRCh38, 1-based): chr8:144,476,089, A>G on the plus strand (T>C on the coding strand, the complement: FOXH1 is on the minus strand). VCF-style: chr8-144476089-A-G. GRCh37 (hg19) VCF-style: chr8-145701472-A-G.
Identifiers: ClinVar variation 362289 (VCV000362289.7), dbSNP rs147276162, ClinGen allele CA10630493.